The following is an entry in ClinVar:

ClinVar aggregate classification (germline): Likely benign. Review status: criteria provided, multiple submitters, no conflicts (2 of 4 stars). 3 submissions from 3 submitters: Likely benign (3). Last evaluated 2026-01-12.

gnomAD v4.1: 72 of 1,607,434 alleles (0.0045%); highest among the groups gnomAD compares: Admixed American, 0.01%; no homozygotes.

Submissions (3):

Labcorp Genetics (formerly Invitae), Labcorp
Classification: Likely benign. Last evaluated: 2026-01-12. Review status: criteria provided, single submitter. Criteria: Invitae Variant Classification Sherloc (09022015). Collection method: clinical testing. Allele origin: germline.

Blueprint Genetics
Classification: Likely benign. Last evaluated: 2024-11-11. Review status: criteria provided, single submitter. Criteria: ACMG Guidelines, 2015. Collection method: clinical testing. Allele origin: germline.

CeGaT Center for Human Genetics Tuebingen
Classification: Likely benign. Last evaluated: 2024-01-01. Review status: criteria provided, single submitter. Criteria: CeGaT Center For Human Genetics Tuebingen Variant Classification Criteria Version 2. Collection method: clinical testing. Allele origin: germline. Affected: yes. Observed: 1 variant allele.
Comment: COL18A1: BP4

NM_001379500.1(COL18A1):c.2869-8G>A

Genes: COL18A1 (collagen type XVIII alpha 1 chain; plus strand), SLC19A1 (solute carrier family 19 member 1; minus strand). Cytogenetic location: 21q22.3.
Variant type: single nucleotide variant.
Coding change: c.2869-8G>A on transcript NM_001379500.1 (MANE Select); 8 bases into the intron before coding-DNA position 2869, G replaced by A.
Molecular consequence: intron variant.
Genome position (GRCh38, 1-based): chr21:45,505,126, G>A. VCF-style: chr21-45505126-G-A. GRCh37 (hg19) VCF-style: chr21-46925040-G-A.
Other names: c.4114-8G>A (NM_130444.3); c.3409-8G>A (NM_030582.4).
Identifiers: ClinVar variation 1560756 (VCV001560756.31), dbSNP rs770714794, ClinGen allele CA10067537.